The following is an entry in ClinVar:

NM_022042.4(SLC26A1):c.1357G>A (p.Ala453Thr)

Genes: IDUA (alpha-L-iduronidase; plus strand), SLC26A1 (solute carrier family 26 member 1; minus strand). Cytogenetic location: 4p16.3.
Variant type: single nucleotide variant.
Coding change: c.1357G>A on transcript NM_022042.4 (MANE Select); coding-DNA position 1357, G replaced by A.
Protein change: p.Ala453Thr; replaces alanine 453 with threonine.
Molecular consequence: missense variant. On other transcripts: intron variant (2).
Genome position (GRCh38, 1-based): chr4:989,582, C>T on the plus strand (G>A on the coding strand, the complement: SLC26A1 is on the minus strand). VCF-style: chr4-989582-C-T. GRCh37 (hg19) VCF-style: chr4-983370-C-T.
Other names: c.1357G>A, p.Ala453Thr (NM_213613.4); c.576+1546G>A (NM_134425.4); c.299+1633C>T (NM_000203.5); c.1357G>A (NM_213613.2); short protein forms A453T.
Identifiers: ClinVar variation 2996626 (VCV002996626.4), dbSNP rs760755511, ClinGen allele CA2801398.

ClinVar aggregate classification (germline): Uncertain significance. Review status: criteria provided, multiple submitters, no conflicts (2 of 4 stars). 2 submissions from 2 submitters: Uncertain significance (2). Last evaluated 2025-05-16.

Conditions:
Inborn genetic diseases. Identifiers: MedGen C0950123, MeSH D030342.

Allele frequency attached by ClinVar (database versions not stated): gnomAD 0.00001.
gnomAD v4.1: 3 of 1,596,376 alleles (0.00019%); highest among the groups gnomAD compares: Non-Finnish European, 0.00017%; no homozygotes.

Submissions (2):

Ambry Genetics
Classification: Uncertain significance for Inborn genetic diseases. Last evaluated: 2025-05-16. Review status: criteria provided, single submitter. Criteria: Ambry Variant Classification Scheme 2023. Collection method: clinical testing. Allele origin: germline.

Labcorp Genetics (formerly Invitae), Labcorp
Classification: Uncertain significance. Last evaluated: 2023-01-01. Review status: criteria provided, single submitter. Criteria: Invitae Variant Classification Sherloc (09022015). Collection method: clinical testing. Allele origin: germline.
Comment: In summary, the available evidence is currently insufficient to determine the role of this variant in disease. Therefore, it has been classified as a Variant of Uncertain Significance. Advanced modeling of protein sequence and biophysical properties (such as structural, functional, and spatial information, amino acid conservation, physicochemical variation, residue mobility, and thermodynamic stability) performed at Invitae indicates that this missense variant is not expected to disrupt SLC26A1 protein function. This variant has not been reported in the literature in individuals affected with SLC26A1-related conditions. This variant is not present in population databases (gnomAD no frequency). This sequence change replaces alanine, which is neutral and non-polar, with threonine, which is neutral and polar, at codon 453 of the SLC26A1 protein (p.Ala453Thr).